The following is an entry in ClinVar:

NM_000089.4(COL1A2):c.1972-321_2025+141del

Gene: COL1A2 (collagen type I alpha 2 chain; plus strand). Cytogenetic location: 7q21.3.
Variant type: Deletion.
Coding change: c.1972-321_2025+141del on transcript NM_000089.4 (MANE Select); 321 bases into the intron before coding-DNA position 1972 through 141 bases into the intron after coding-DNA position 2025, 516 bases deleted.
Molecular consequence: splice acceptor variant, splice donor variant.
Genome position (GRCh38, 1-based): chr7:94,418,178-94,418,693, 516 bases deleted. GRCh37 (hg19): chr7:94,047,490-94,048,005.
Identifiers: ClinVar variation 4685003 (VCV004685003.1).

ClinVar aggregate classification (germline): Likely pathogenic (1 of 4 stars; one submission).

Conditions:
Osteogenesis imperfecta, perinatal lethal (OI2). Also called: OI, TYPE II; OSTEOGENESIS IMPERFECTA CONGENITA; VROLIK TYPE OF OSTEOGENESIS IMPERFECTA; OSTEOGENESIS IMPERFECTA, TYPE II; Osteogenesis imperfecta type 2; Osteogenesis imperfecta, dominant perinatal lethal. Identifiers: Orphanet 216804, MedGen C0268358, MONDO:0008147, OMIM 166210.

Submission:

Kasturba Medical College, Manipal, Kasturba Medical College, Manipal, Manipal Academy of Higher Education, Manipal, India
Classification: Likely pathogenic for Osteogenesis imperfecta, perinatal lethal. Last evaluated: 2025-12-27. Review status: criteria provided, single submitter. Criteria: ACMG Guidelines, 2015. Collection method: research. Allele origin: de novo. Inheritance: Autosomal dominant inheritance. Affected: yes. Observed: 1 heterozygote.
Comment: CNV analysis revealed a heterozygous 515bp deletion encompassing parts of introns 32 and 33, and the entire exon 33 of COL1A2. A customized PCR followed by gel electrophoresis was performed with primers designed in introns 32 and 33 flanking the identified deletion (chr7:94418178-94418693) in COL1A2 (NM_000089.4) with an expected amplicon size of 719bp. The deletion allele, c.1972-319_2025+142del which comprises of 54 nucleotides of exon 33 is an in-frame variant. Monoallelic missense and in-frame variants including exonic level deletions in COL1A2 are known to cause severe forms of osteogenesis imperfecta (osteogenesis imperfecta, type II; MIM #166210) (Rodriguez et al., 2005). The clinical features observed in the proband are in concordance with osteogenesis imperfecta. Hence, the above-mentioned CNV in heterozygous de novo state is classified as likely pathogenic (PS2, PM2, PM4, PP4) and is interpreted to be the likely cause for the condition observed in the proband.

Literature cited by the submitters: PubMed 20301472.